The following is an entry in ClinVar:

NM_001563.4(IMPG1):c.498-2A>G

Gene: IMPG1 (interphotoreceptor matrix proteoglycan 1; minus strand). Cytogenetic location: 6q14.1.
Variant type: single nucleotide variant.
Coding change: c.498-2A>G on transcript NM_001563.4 (MANE Select); the canonical splice acceptor site of the intron before coding-DNA position 498, A replaced by G.
Molecular consequence: splice acceptor variant.
Genome position (GRCh38, 1-based): chr6:76,025,260, T>C on the plus strand (A>G on the coding strand, the complement: IMPG1 is on the minus strand). VCF-style: chr6-76025260-T-C. GRCh37 (hg19) VCF-style: chr6-76734977-T-C.
Other names: c.264-2A>G (NM_001282368.2).
Identifiers: ClinVar variation 1351375 (VCV001351375.5), dbSNP rs763949265, ClinGen allele CA3898470.

ClinVar aggregate classification (germline): Conflicting classifications of pathogenicity. Review status: criteria provided, conflicting classifications (1 of 4 stars). 2 submissions from 2 submitters: Likely pathogenic (1); Uncertain significance (1). Last evaluated 2025-08-12.

Allele frequency attached by ClinVar (database versions not stated): gnomAD 0.00001; gnomAD exomes 0.00002 and 0.00008; ExAC 0.00005; TOPMed 0.00005.
gnomAD v4.1: 23 of 1,559,582 alleles (0.0015%); highest among the groups gnomAD compares: Admixed American, 0.039%; no homozygotes.

Submissions (2):

Labcorp Genetics (formerly Invitae), Labcorp
Classification: Likely pathogenic. Last evaluated: 2025-08-12. Review status: criteria provided, single submitter. Criteria: Invitae Variant Classification Sherloc (09022015). Collection method: clinical testing. Allele origin: germline.
Comment: This sequence change affects an acceptor splice site in intron 4 of the IMPG1 gene. It is expected to disrupt RNA splicing. Variants that disrupt the donor or acceptor splice site typically lead to a loss of protein function (PMID: 16199547), and loss-of-function variants in IMPG1 are known to be pathogenic (PMID: 23993198). This variant is present in population databases (rs763949265, gnomAD 0.06%). This variant has not been reported in the literature in individuals affected with IMPG1-related conditions. ClinVar contains an entry for this variant (Variation ID: 1351375). Algorithms developed to predict the effect of sequence changes on RNA splicing suggest that this variant may disrupt the consensus splice site. In summary, the currently available evidence indicates that the variant is pathogenic, but additional data are needed to prove that conclusively. Therefore, this variant has been classified as Likely Pathogenic.

Blueprint Genetics
Classification: Uncertain significance. Last evaluated: 2022-01-28. Review status: criteria provided, single submitter. Criteria: ACMG Guidelines, 2015. Collection method: clinical testing. Allele origin: germline.

Literature cited by the submitters: PubMed 16199547 (cited by Labcorp Genetics (formerly Invitae), Labcorp); PubMed 23993198 (cited by Labcorp Genetics (formerly Invitae), Labcorp).